The following is an entry in ClinVar:

ClinVar aggregate classification (germline): Uncertain significance (1 of 4 stars; one submission).

Submission:

Mayo Clinic Laboratories, Mayo Clinic
Classification: Uncertain significance. Last evaluated: 2025-04-29. Review status: criteria provided, single submitter. Criteria: ACMG Guidelines, 2015. Collection method: clinical testing. Allele origin: germline. Observed: 1 variant allele.
Comment: BP4_moderate

NM_005219.5(DIAPH1):c.2462C>T (p.Ala821Val)

Gene: DIAPH1 (diaphanous related formin 1; minus strand). Cytogenetic location: 5q31.3.
Variant type: single nucleotide variant.
Coding change: c.2462C>T on transcript NM_005219.5 (MANE Select); coding-DNA position 2462, C replaced by T.
Protein change: p.Ala821Val; replaces alanine 821 with valine.
Molecular consequence: missense variant.
Genome position (GRCh38, 1-based): chr5:141,571,937, G>A on the plus strand (C>T on the coding strand, the complement: DIAPH1 is on the minus strand). VCF-style: chr5-141571937-G-A. GRCh37 (hg19) VCF-style: chr5-140951504-G-A.
Other names: p.Ala821Val; c.2435C>T, p.Ala812Val (NM_001079812.3); c.2462C>T, p.Ala821Val (NM_001314007.2); short protein forms A812V, A821V.
Identifiers: ClinVar variation 4541069 (VCV004541069.1).